The following is an entry in ClinVar:

NM_006939.4(SOS2):c.1642C>A (p.Leu548Ile)

Gene: SOS2 (SOS Ras/Rho guanine nucleotide exchange factor 2; minus strand). Cytogenetic location: 14q21.3.
Variant type: single nucleotide variant.
Coding change: c.1642C>A on transcript NM_006939.4 (MANE Select); coding-DNA position 1642, C replaced by A.
Protein change: p.Leu548Ile; replaces leucine 548 with isoleucine.
Molecular consequence: missense variant.
Genome position (GRCh38, 1-based): chr14:50,159,641, G>T on the plus strand (C>A on the coding strand, the complement: SOS2 is on the minus strand). VCF-style: chr14-50159641-G-T. GRCh37 (hg19) VCF-style: chr14-50626359-G-T.
Other names: c.1543C>A, p.Leu515Ile (NM_001411020.1); short protein forms L515I, L548I.
Identifiers: ClinVar variation 1967789 (VCV001967789.7), dbSNP rs202201300, ClinGen allele CA7177256.

ClinVar aggregate classification (germline): Uncertain significance. Review status: criteria provided, multiple submitters, no conflicts (2 of 4 stars). 2 submissions from 2 submitters: Uncertain significance (2). Last evaluated 2025-12-20.

Conditions:
Cardiovascular phenotype. Identifiers: MedGen CN230736.
Noonan syndrome 9 (NS9). Identifiers: Orphanet 648, MedGen C4225282, MONDO:0014691, OMIM 616559.

Allele frequency attached by ClinVar (database versions not stated): TOPMed below 0.00001; ExAC 0.00001.
gnomAD v4.1: 12 of 1,613,656 alleles (0.00074%); highest among the groups gnomAD compares: Non-Finnish European, 0.00093%; no homozygotes.

Submissions (2):

Labcorp Genetics (formerly Invitae), Labcorp
Classification: Uncertain significance for Noonan syndrome 9. Last evaluated: 2025-12-20. Review status: criteria provided, single submitter. Criteria: Invitae Variant Classification Sherloc (09022015). Collection method: clinical testing. Allele origin: germline.
Comment: This sequence change replaces leucine, which is neutral and non-polar, with isoleucine, which is neutral and non-polar, at codon 548 of the SOS2 protein (p.Leu548Ile). This variant is present in population databases (rs202201300, gnomAD 0.0009%). This variant has not been reported in the literature in individuals affected with SOS2-related conditions. ClinVar contains an entry for this variant (Variation ID: 1967789). Invitae Evidence Modeling of protein sequence and biophysical properties (such as structural, functional, and spatial information, amino acid conservation, physicochemical variation, residue mobility, and thermodynamic stability) indicates that this missense variant is not expected to disrupt SOS2 protein function with a negative predictive value of 95%. In summary, the available evidence is currently insufficient to determine the role of this variant in disease. Therefore, it has been classified as a Variant of Uncertain Significance.

Ambry Genetics
Classification: Uncertain significance for Cardiovascular phenotype. Last evaluated: 2023-03-26. Review status: criteria provided, single submitter. Criteria: Ambry Variant Classification Scheme 2023. Collection method: clinical testing. Allele origin: germline.
Comment: The p.L548I variant (also known as c.1642C>A), located in coding exon 10 of the SOS2 gene, results from a C to A substitution at nucleotide position 1642. The leucine at codon 548 is replaced by isoleucine, an amino acid with highly similar properties. This amino acid position is conserved. In addition, the in silico prediction for this alteration is inconclusive. Since supporting evidence is limited at this time, the clinical significance of this alteration remains unclear.